The following is an entry in ClinVar:

ClinVar aggregate classification (germline): Uncertain significance (1 of 4 stars; one submission).

Allele frequency attached by ClinVar (database versions not stated): gnomAD exomes below 0.00001; TOPMed 0.00001.
gnomAD v4.1: 2 of 1,609,572 alleles (0.00012%); highest among the groups gnomAD compares: Non-Finnish European, 0.00017%; no homozygotes.

Submission:

Labcorp Genetics (formerly Invitae), Labcorp
Classification: Uncertain significance. Last evaluated: 2023-10-13. Review status: criteria provided, single submitter. Criteria: Invitae Variant Classification Sherloc (09022015). Collection method: clinical testing. Allele origin: germline.
Comment: This sequence change falls in intron 27 of the CNGB1 gene. It does not directly change the encoded amino acid sequence of the CNGB1 protein. This variant is not present in population databases (gnomAD no frequency). This variant has not been reported in the literature in individuals affected with CNGB1-related conditions. ClinVar contains an entry for this variant (Variation ID: 1524011). Algorithms developed to predict the effect of sequence changes on RNA splicing suggest that this variant may disrupt the consensus splice site. In summary, the available evidence is currently insufficient to determine the role of this variant in disease. Therefore, it has been classified as a Variant of Uncertain Significance.

NM_001297.5(CNGB1):c.2795-19T>A

Gene: CNGB1 (cyclic nucleotide gated channel subunit beta 1; minus strand). Cytogenetic location: 16q21.
Variant type: single nucleotide variant.
Coding change: c.2795-19T>A on transcript NM_001297.5 (MANE Select); 19 bases into the intron before coding-DNA position 2795, T replaced by A.
Molecular consequence: intron variant.
Genome position (GRCh38, 1-based): chr16:57,901,644, A>T on the plus strand (T>A on the coding strand, the complement: CNGB1 is on the minus strand). VCF-style: chr16-57901644-A-T. GRCh37 (hg19) VCF-style: chr16-57935548-A-T.
Other names: c.2777-19T>A (NM_001286130.2).
Identifiers: ClinVar variation 1524011 (VCV001524011.8), dbSNP rs1960394940, ClinGen allele CA2224828059.